The following is an entry in ClinVar:

ClinVar aggregate classification (germline): Uncertain significance (1 of 4 stars; one submission).

Allele frequency attached by ClinVar (database versions not stated): gnomAD 0.00001; gnomAD exomes 0.00001; TOPMed 0.00002.
gnomAD v4.1: 18 of 1,612,050 alleles (0.0011%); highest among the groups gnomAD compares: Non-Finnish European, 0.0014%; no homozygotes.

Submission:

Labcorp Genetics (formerly Invitae), Labcorp
Classification: Uncertain significance. Last evaluated: 2023-10-03. Review status: criteria provided, single submitter. Criteria: Invitae Variant Classification Sherloc (09022015). Collection method: clinical testing. Allele origin: germline.
Comment: This sequence change replaces threonine, which is neutral and polar, with isoleucine, which is neutral and non-polar, at codon 460 of the KLHL7 protein (p.Thr460Ile). This variant is present in population databases (no rsID available, gnomAD 0.007%). This missense change has been observed in individual(s) with clinical features of retinitis pigmentosa (Invitae). ClinVar contains an entry for this variant (Variation ID: 1060257). An algorithm developed to predict the effect of missense changes on protein structure and function (PolyPhen-2) suggests that this variant is likely to be tolerated. In summary, the available evidence is currently insufficient to determine the role of this variant in disease. Therefore, it has been classified as a Variant of Uncertain Significance.

NM_001031710.3(KLHL7):c.1379C>T (p.Thr460Ile)

Gene: KLHL7 (kelch like family member 7; plus strand). Cytogenetic location: 7p15.3.
Variant type: single nucleotide variant.
Coding change: c.1379C>T on transcript NM_001031710.3 (MANE Select); coding-DNA position 1379, C replaced by T.
Protein change: p.Thr460Ile; replaces threonine 460 with isoleucine.
Molecular consequence: missense variant. On other transcripts: non-coding transcript variant (1).
Genome position (GRCh38, 1-based): chr7:23,168,037, C>T. VCF-style: chr7-23168037-C-T. GRCh37 (hg19) VCF-style: chr7-23207656-C-T.
Other names: c.1235C>T, p.Thr412Ile (NM_018846.5); short protein forms T412I, T460I.
Identifiers: ClinVar variation 1060257 (VCV001060257.9), dbSNP rs867595989, ClinGen allele CA155256493.